The following is an entry in ClinVar:

GRCh38/hg38 16p13.13-13.11(chr16:11967831-15162888)x1

Genes: BFAR (bifunctional apoptosis regulator; plus strand), CPPED1 (calcineurin like phosphoesterase domain containing 1; minus strand), ERCC4 (ERCC excision repair 4, endonuclease catalytic subunit; plus strand), LINC02130 (long intergenic non-protein coding RNA 2130; minus strand), LINC02185 (long intergenic non-protein coding RNA 2185; minus strand) and 108 more. Cytogenetic location: 16p13.13-13.11.
Variant type: copy number loss.
Change: copy number 1 (one copy instead of two) of chr16:11,967,831-15,162,888 (3.20 Mb, GRCh38 coordinates, 1-based), cytogenetic band 16p13.13-13.11.
Identifiers: ClinVar variation 58701 (VCV000058701.1).

ClinVar aggregate classification (germline): Pathogenic (1 of 4 stars; one submission).

Submission:

ISCA site 15
Classification: Pathogenic. Last evaluated: 2011-08-12. Review status: criteria provided, single submitter. Criteria: Kaminsky et al. (Genet Med. 2011). Collection method: clinical testing. Allele origin: unknown. Affected: yes. Observed: 1 variant allele.
Comment: Copy number variation identified through the course of routine clinical cytogenomic testing in postnatal populations. Clinical assertions have been curated as described in Kaminsky et al. 2011.